The following is an entry in ClinVar:

NM_000346.4(SOX9):c.987del (p.Ser330fs)

Gene: SOX9 (SRY-box transcription factor 9; plus strand). Cytogenetic location: 17q24.3.
Variant type: Deletion.
Coding change: c.987del on transcript NM_000346.4 (MANE Select); coding-DNA position 987, one base deleted (G; older notation c.987delG).
Protein change: p.Ser330fs; shifts the reading frame from serine 330.
Molecular consequence: frameshift variant.
Genome position (GRCh38, 1-based): chr17:72,123,844, G deleted. VCF-style (leftmost placement, unchanged base first): chr17-72123843-CG-C. GRCh37 (hg19) VCF-style: chr17-70119984-CG-C.
Other names: short protein forms S330fs.
Identifiers: ClinVar variation 3032515 (VCV003032515.2), dbSNP rs2509626414, ClinGen allele CA2740093908.

ClinVar aggregate classification (germline): Likely pathogenic (0 of 4 stars; one submission).

Conditions:
SOX9-related disorder. Also called: SOX9-related condition.

Submission:

PreventionGenetics, part of Exact Sciences
Classification: Likely pathogenic for SOX9-related condition. Last evaluated: 2023-11-30. Review status: no assertion criteria provided. Collection method: clinical testing. Allele origin: germline.
Comment: The SOX9 c.987delG variant is predicted to result in a frameshift and premature protein termination (p.Ser330Alafs*53). To our knowledge, this variant has not been reported in the literature or in a large population database, indicating this variant is rare. Frameshift variants in SOX9 are expected to be pathogenic. This variant is interpreted as likely pathogenic.